The following is an entry in ClinVar:

NM_001387220.1(IKZF2):c.857-60T>G

Gene: IKZF2 (IKAROS family zinc finger 2; minus strand). Cytogenetic location: 2q34.
Variant type: single nucleotide variant.
Coding change: c.857-60T>G on transcript NM_001387220.1 (MANE Select); 60 bases into the intron before coding-DNA position 857, T replaced by G.
Molecular consequence: intron variant.
Genome position (GRCh38, 1-based): chr2:213,008,144, A>C on the plus strand (T>G on the coding strand, the complement: IKZF2 is on the minus strand). VCF-style: chr2-213008144-A-C. GRCh37 (hg19) VCF-style: chr2-213872868-A-C.
Other names: c.632-60T>G (NM_001371277.1); c.857-60T>G (NM_001371274.1, NM_016260.3); c.779-60T>G (NM_001371276.1, NM_001079526.2, NM_001371275.1).
Identifiers: ClinVar variation 2688165 (VCV002688165.2), dbSNP rs76705042, ClinGen allele CA16126112.

ClinVar aggregate classification (germline): Benign (1 of 4 stars; one submission).

Allele frequency attached by ClinVar (database versions not stated): 1000 Genomes Project 0.13598; 1000 Genomes Project 30x 0.14007; TOPMed 0.21177; gnomAD 0.22024; gnomAD exomes 0.23682.
gnomAD v4.1: 345,242 of 1,473,000 alleles (23%); highest among the groups gnomAD compares: Non-Finnish European, 26%; 43,970 homozygotes.

Submission:

Unidad de Genómica Garrahan, Hospital de Pediatría Garrahan
Classification: Benign. Last evaluated: 2024-01-24. Review status: criteria provided, single submitter. Criteria: ACMG Guidelines, 2015. Collection method: clinical testing. Allele origin: germline. Affected: no. Observed: 41 variant alleles.
Comment: This variant is classified as Benign based on local population frequency. This variant was detected in 43% of patients studied by a panel of primary immunodeficiencies. Number of patients: 41. Only high quality variants are reported.